The following is an entry in ClinVar:

NM_000277.3(PAH):c.467C>G (p.Ala156Gly)

Gene: PAH (phenylalanine hydroxylase; minus strand). Cytogenetic location: 12q23.2.
Variant type: single nucleotide variant.
Coding change: c.467C>G on transcript NM_000277.3 (MANE Select); coding-DNA position 467, C replaced by G.
Protein change: p.Ala156Gly; replaces alanine 156 with glycine.
Molecular consequence: missense variant.
Genome position (GRCh38, 1-based): chr12:102,866,638, G>C on the plus strand (C>G on the coding strand, the complement: PAH is on the minus strand). VCF-style: chr12-102866638-G-C. GRCh37 (hg19) VCF-style: chr12-103260416-G-C.
Other names: c.467C>G, p.Ala156Gly (NM_001354304.2); short protein forms A156G.
Identifiers: ClinVar variation 1487998 (VCV001487998.6), dbSNP rs570748767, ClinGen allele CA386299622.

ClinVar aggregate classification (germline): Likely pathogenic (1 of 4 stars; one submission).

Conditions:
Phenylketonuria (PKU). Also called: OLIGOPHRENIA PHENYLPYRUVICA; Phenylketonurias; Phenylketonuria (PKU); FOLLING DISEASE. Identifiers: Orphanet 716, MedGen C0031485, MONDO:0009861, OMIM 261600. Disease mechanism: loss of function.

Submission:

Labcorp Genetics (formerly Invitae), Labcorp
Classification: Likely pathogenic for Phenylketonuria. Last evaluated: 2023-09-27. Review status: criteria provided, single submitter. Criteria: Invitae Variant Classification Sherloc (09022015). Collection method: clinical testing. Allele origin: germline.
Comment: In summary, the currently available evidence indicates that the variant is pathogenic, but additional data are needed to prove that conclusively. Therefore, this variant has been classified as Likely Pathogenic. This variant disrupts the p.Ala156 amino acid residue in PAH. Other variant(s) that disrupt this residue have been determined to be pathogenic (PMID: 24327145, 28982351). This suggests that this residue is clinically significant, and that variants that disrupt this residue are likely to be disease-causing. Advanced modeling of protein sequence and biophysical properties (such as structural, functional, and spatial information, amino acid conservation, physicochemical variation, residue mobility, and thermodynamic stability) performed at Invitae indicates that this missense variant is not expected to disrupt PAH protein function. ClinVar contains an entry for this variant (Variation ID: 1487998). This variant has not been reported in the literature in individuals affected with PAH-related conditions. This variant is not present in population databases (gnomAD no frequency). This sequence change replaces alanine, which is neutral and non-polar, with glycine, which is neutral and non-polar, at codon 156 of the PAH protein (p.Ala156Gly).

Literature cited by the submitters: PubMed 24327145; PubMed 28982351.